The following is an entry in ClinVar:

ClinVar aggregate classification (germline): Uncertain significance (1 of 4 stars; one submission).

Conditions:
BBS7-related disorder. Also called: BBS7-related condition.

Submission:

PreventionGenetics, part of Exact Sciences
Classification: Uncertain significance for BBS7-related condition. Last evaluated: 2026-04-08. Review status: criteria provided, single submitter. Criteria: ACMG Guidelines, 2015. Collection method: clinical testing. Allele origin: germline.
Comment: The BBS7 c.1238T>G variant is predicted to result in the amino acid substitution p.Val413Gly. To our knowledge, this variant has not been reported in the literature or in a large population database (gnomAD), indicating this variant is rare. At this time, the clinical significance of this variant is uncertain due to the absence of conclusive functional and genetic evidence.

NM_176824.3(BBS7):c.1238T>G (p.Val413Gly)

Gene: BBS7 (Bardet-Biedl syndrome 7; minus strand). Cytogenetic location: 4q27.
Variant type: single nucleotide variant.
Coding change: c.1238T>G on transcript NM_176824.3 (MANE Select); coding-DNA position 1238, T replaced by G.
Protein change: p.Val413Gly; replaces valine 413 with glycine.
Molecular consequence: missense variant.
Genome position (GRCh38, 1-based): chr4:121,843,994, A>C on the plus strand (T>G on the coding strand, the complement: BBS7 is on the minus strand). VCF-style: chr4-121843994-A-C. GRCh37 (hg19) VCF-style: chr4-122765149-A-C.
Other names: c.1238T>G, p.Val413Gly (NM_018190.4); short protein forms V413G.
Identifiers: ClinVar variation 4992202 (VCV004992202.1).